The following is an entry in ClinVar:

ClinVar aggregate classification (germline): Uncertain significance (1 of 4 stars; one submission).

Submission:

GeneDx
Classification: Uncertain significance. Last evaluated: 2024-02-07. Review status: criteria provided, single submitter. Criteria: GeneDx Variant Classification Process June 2021. Collection method: clinical testing. Allele origin: germline. Affected: yes.
Comment: Not observed at significant frequency in large population cohorts (gnomAD); In silico analysis supports that this missense variant has a deleterious effect on protein structure/function; Has not been previously published as pathogenic or benign to our knowledge

NM_001252102.2(KIF21B):c.2036G>C (p.Arg679Pro)

Gene: KIF21B (kinesin family member 21B; minus strand). Cytogenetic location: 1q32.1.
Variant type: single nucleotide variant.
Coding change: c.2036G>C on transcript NM_001252102.2 (MANE Select); coding-DNA position 2036, G replaced by C.
Protein change: p.Arg679Pro; replaces arginine 679 with proline.
Molecular consequence: missense variant.
Genome position (GRCh38, 1-based): chr1:200,998,425, C>G on the plus strand (G>C on the coding strand, the complement: KIF21B is on the minus strand). VCF-style: chr1-200998425-C-G. GRCh37 (hg19) VCF-style: chr1-200967553-C-G.
Other names: c.2036G>C, p.Arg679Pro (NM_001252100.2, NM_001252103.2, NM_017596.4); short protein forms R679P.
Identifiers: ClinVar variation 3368913 (VCV003368913.1).